The following is an entry in ClinVar:

NC_012920.1(MT-TP):m.15965A>G

Gene: MT-TP (mitochondrially encoded tRNA proline; minus strand).
Variant type: single nucleotide variant.
Genome position: chrM-15965-A-G.
Other names: 15965T-C.
Identifiers: ClinVar variation 9571 (VCV000009571.2), dbSNP rs199474700, ClinGen allele CA254833.

ClinVar aggregate classification (germline): Benign. Review status: criteria provided, single submitter (1 of 4 stars). 2 submissions from 2 submitters: Benign (1). 1 of the submissions does not count toward it. Last evaluated 2019-07-12.

Conditions:
Parkinson disease, mitochondrial. Identifiers: MedGen C1838867, MONDO:0010796, OMIM 556500.
MELAS syndrome (MELAS). Also called: Juvenile myopathy, encephalopathy, lactic acidosis, stroke. Identifiers: Orphanet 550, MedGen C0162671, MONDO:0010789, OMIM 540000.

Submissions (2):

Wong Mito Lab, Molecular and Human Genetics, Baylor College of Medicine
Classification: Benign for MELAS syndrome. Last evaluated: 2019-07-12. Review status: criteria provided, single submitter. Criteria: Modified ACMG Guidelines (Unpublished). Collection method: clinical testing. Allele origin: germline.
Comment: The NC_012920.1:m.15965A>G variant in MT-TP gene is interpreted to be a Benign variant based on the modified ACMG guidelines (unpublished). This variant meets the following evidence codes reported in the guidelines: BS1, BS2, BP4

OMIM
Classification: risk factor for PARKINSON DISEASE, SUSCEPTIBILITY TO. Last evaluated: 1999-04-01. Review status: no assertion criteria provided. Collection method: literature only. Allele origin: germline. Not counted in ClinVar's aggregate classification.

Literature cited by the submitters: PubMed 31965079 (cited by Wong Mito Lab, Molecular and Human Genetics, Baylor College of Medicine); PubMed 10369889 (cited by OMIM).